The following is an entry in ClinVar:

ClinVar aggregate classification (germline): Conflicting classifications of pathogenicity. Review status: criteria provided, conflicting classifications (1 of 4 stars). 5 submissions from 5 submitters: Uncertain significance (4); Likely benign (1). Last evaluated 2025-11-26.

Conditions:
Arrhythmogenic right ventricular dysplasia 8 (ARVD8). Also called: Arrhythmogenic Right Ventricular Dysplasia/Cardiomyopathy 8; ARRHYTHMOGENIC RIGHT VENTRICULAR DYSPLASIA, FAMILIAL, 8; ARRHYTHMOGENIC RIGHT VENTRICULAR CARDIOMYOPATHY 8. Identifiers: MedGen C1843896, MONDO:0011831, OMIM 607450.
Woolly hair-skin fragility syndrome (WHSF). Identifiers: Orphanet 293165, MedGen C1843292, MONDO:0957307, OMIM 620415.
Cardiomyopathy, dilated, with wooly hair, keratoderma, and tooth agenesis. Also called: Erythrokeratodermia-cardiomyopathy syndrome; Cardiomyopathy, dilated, with woolly hair, keratoderma, and tooth agenesis. Identifiers: Orphanet 476096, Orphanet 65282, MedGen C4014393, MONDO:0014355, OMIM 615821.
Arrhythmogenic cardiomyopathy with wooly hair and keratoderma. Also called: Carvajal syndrome; PALMOPLANTAR KERATODERMA WITH LEFT VENTRICULAR CARDIOMYOPATHY AND WOOLLY HAIR; Arrhythmogenic cardiomyopathy with woolly hair and keratoderma; Dilated cardiomyopathy with woolly hair and keratoderma. Identifiers: Orphanet 65282, MedGen C1854063, MONDO:0011581, OMIM 605676.
Lethal acantholytic epidermolysis bullosa (EBLA). Identifiers: Orphanet 158687, MedGen C1864826, MONDO:0012323, OMIM 609638.
Keratosis palmoplantaris striata 2. Also called: KERATODERMA, PALMOPLANTAR, STRIATE FORM II; STRIATE PALMOPLANTAR KERATODERMA II; Keratosis palmoplantaris striata II. Identifiers: MedGen C1852127, MONDO:0013034, OMIM 612908.
Cardiomyopathy (CMYO). Also called: Cardiomyopathies. Identifiers: Orphanet 167848, MedGen C0878544, MONDO:0004994, HP:0001638. Inheritance: Various modes of inheritance.
Cardiovascular phenotype. Identifiers: MedGen CN230736.
Primary familial dilated cardiomyopathy (FDC). Also called: Hypokinetic dilated cardiomyopathy, familial; Familial dilated cardiomyopathy. Identifiers: Orphanet 217607, MedGen C0340427, MONDO:0016333.

gnomAD v4.1: 21 of 1,614,150 alleles (0.0013%); highest among the groups gnomAD compares: Non-Finnish European, 0.0017%; no homozygotes.

Submissions (5):

Color Diagnostics, LLC DBA Color Health
Classification: Uncertain significance for Cardiomyopathy. Last evaluated: 2025-11-26. Review status: criteria provided, single submitter. Criteria: ACMG Guidelines, 2015. Collection method: clinical testing. Allele origin: germline.
Comment: This missense variant replaces arginine with lysine at codon 1255 of the DSP protein. Computational prediction suggests that this variant may not impact protein structure and function. To our knowledge, functional studies have not been reported for this variant. This variant has been reported in three individuals affected with arrhythmogenic right ventricular cardiomyopathy (PMID: 15941723, 20152563, 24070718, 27532257, 26138720), including two individuals who also carried a pathogenic PKP2 truncation variant that could explain the observed phenotype (PMID: 20152563, 24070718). This variant has been identified in 21/1614150 chromosomes in the general population by the Genome Aggregation Database (gnomAD). The available evidence is insufficient to determine the role of this variant in disease conclusively. Therefore, this variant is classified as a Variant of Uncertain Significance.

Labcorp Genetics (formerly Invitae), Labcorp
Classification: Likely benign for Arrhythmogenic cardiomyopathy with wooly hair and keratoderma; Arrhythmogenic right ventricular dysplasia 8. Last evaluated: 2025-09-27. Review status: criteria provided, single submitter. Criteria: Invitae Variant Classification Sherloc (09022015). Collection method: clinical testing. Allele origin: germline.

Ambry Genetics
Classification: Uncertain significance for Cardiovascular phenotype. Last evaluated: 2024-10-21. Review status: criteria provided, single submitter. Criteria: Ambry Variant Classification Scheme 2023. Collection method: clinical testing. Allele origin: germline.
Comment: The p.R1255K variant (also known as c.3764G>A), located in coding exon 23 of the DSP gene, results from a G to A substitution at nucleotide position 3764. The arginine at codon 1255 is replaced by lysine, an amino acid with highly similar properties. This variant was identified in an individual who met revised arrhythmogenic right ventricular cardiomyopathy (ARVC) Task Force criteria and also had two variants in another cardiac-related gene. Additionally, the DSP p.R1255K variant did not segregate consistently among this individual's affected relatives (Xu T et al. J Am Coll Cardiol, 2010 Feb;55:587-97). This alteration has also been detected in other ARVC cohorts; however, clinical details were limited, and the same individuals from overlapping cohorts may have been reported multiple times (Bauce B et al. Eur Heart J, 2005 Aug;26:1666-75; Walsh R et al. Genet Med, 2017 02;19:192-203; Rigato I et al. Circ Cardiovasc Genet, 2013 Dec;6:533-42; Zorzi A et al. Europace, 2016 Jul;18:1086-94). This amino acid position is highly conserved in available vertebrate species. In addition, this alteration is predicted to be deleterious by in silico analysis. Since supporting evidence is limited at this time, the clinical significance of this alteration remains unclear.

Fulgent Genetics
Classification: Uncertain significance for Arrhythmogenic cardiomyopathy with wooly hair and keratoderma; Arrhythmogenic right ventricular dysplasia 8; Lethal acantholytic epidermolysis bullosa; Keratosis palmoplantaris striata 2; Cardiomyopathy, dilated, with wooly hair, keratoderma, and tooth agenesis. Last evaluated: 2021-10-16. Review status: criteria provided, single submitter. Criteria: ACMG Guidelines, 2015. Collection method: clinical testing. Allele origin: unknown.

Molecular Diagnostic Laboratory for Inherited Cardiovascular Disease, Montreal Heart Institute
Classification: Uncertain significance for Familial dilated cardiomyopathy. Review status: criteria provided, single submitter. Criteria: ACMG Guidelines, 2015. Collection method: clinical testing. Allele origin: germline. Affected: yes.

Literature cited by the submitters: PubMed 15941723 (cited by Color Diagnostics, LLC DBA Color Health and Ambry Genetics); PubMed 20152563 (cited by Color Diagnostics, LLC DBA Color Health and Ambry Genetics); PubMed 24070718 (cited by Color Diagnostics, LLC DBA Color Health and Ambry Genetics); PubMed 26138720 (cited by Color Diagnostics, LLC DBA Color Health and Ambry Genetics); PubMed 27532257 (cited by Color Diagnostics, LLC DBA Color Health and Ambry Genetics).

NM_004415.4(DSP):c.3764G>A (p.Arg1255Lys)

Gene: DSP (desmoplakin; plus strand). Cytogenetic location: 6p24.3.
Variant type: single nucleotide variant.
Coding change: c.3764G>A on transcript NM_004415.4 (MANE Select); coding-DNA position 3764, G replaced by A.
Protein change: p.Arg1255Lys; replaces arginine 1255 with lysine.
Molecular consequence: missense variant. On other transcripts: intron variant (1).
Genome position (GRCh38, 1-based): chr6:7,579,954, G>A. VCF-style: chr6-7579954-G-A. GRCh37 (hg19) VCF-style: chr6-7580187-G-A.
Other names: c.3764G>A, p.Arg1255Lys (NM_001319034.2); c.3582+182G>A (NM_001008844.3); short protein forms R1255K.
Identifiers: ClinVar variation 684783 (VCV000684783.22), dbSNP rs777407386, ClinGen allele CA038944.